The following is an entry in ClinVar:

NM_001009944.3(PKD1):c.7909C>T (p.Gln2637Ter)

Gene: PKD1 (polycystin 1, transient receptor potential channel interacting; minus strand). Cytogenetic location: 16p13.3.
Variant type: single nucleotide variant.
Coding change: c.7909C>T on transcript NM_001009944.3 (MANE Select); coding-DNA position 7909, C replaced by T.
Protein change: p.Gln2637Ter; replaces glutamine 2637 with a stop codon.
Molecular consequence: nonsense.
Genome position (GRCh38, 1-based): chr16:2,105,429, G>A on the plus strand (C>T on the coding strand, the complement: PKD1 is on the minus strand). VCF-style: chr16-2105429-G-A. GRCh37 (hg19) VCF-style: chr16-2155430-G-A.
Other names: c.7909C>T, p.Gln2637Ter (NM_000296.4); short protein forms Q2637*.
Identifiers: ClinVar variation 5019889 (VCV005019889.1).

ClinVar aggregate classification (germline): Pathogenic (1 of 4 stars; one submission).

Conditions:
Polycystic kidney disease, adult type (PKD1). Also called: POLYCYSTIC KIDNEY DISEASE 1 WITH OR WITHOUT POLYCYSTIC LIVER DISEASE; POLYCYSTIC KIDNEY DISEASE, ADULT, TYPE I; Polycystic Kidney Disease 1, Autosomal Dominant; Polycystic kidney disease 1; Polycystic kidney disease 1, severe; Polycystic Kidney, Autosomal Dominant. Identifiers: MedGen C3149841, MONDO:0008263, OMIM 173900.

Submission:

Juno Genomics, Hangzhou Juno Genomics, Inc
Classification: Pathogenic for Polycystic kidney disease, adult type. Review status: criteria provided, single submitter. Criteria: ACMG Guidelines, 2015. Collection method: clinical testing. Allele origin: germline. Affected: yes.
Comment: Absent from controls (or at extremely low frequency if recessive) in Genome Aggregation Database.;Null variant in a gene where loss of function (LOF) is a known mechanism of disease.;The prevalence of the variant in affected individuals is significantly increased compared to the prevalence in controls.;Patient's phenotype or family history is highly specific for a disease with a single genetic etiology.